The following is an entry in ClinVar:

ClinVar aggregate classification (germline): Uncertain significance. Review status: criteria provided, multiple submitters, no conflicts (2 of 4 stars). 4 submissions from 4 submitters: Uncertain significance (4). Last evaluated 2026-05-21.

Conditions:
KIT-related disorder. Also called: KIT-related condition.
Hereditary cancer-predisposing syndrome. Also called: Tumor predisposition; Hereditary neoplastic syndrome; Neoplastic Syndromes, Hereditary; Hereditary Cancer Syndrome. Identifiers: Orphanet 140162, MedGen C0027672, MeSH D009386, MONDO:0015356.
Gastrointestinal stromal tumor. Also called: Gastrointestinal stromal tumor, somatic; Gastrointestinal stroma tumor. Identifiers: Orphanet 44890, MedGen C0238198, MeSH D046152, MONDO:0011719, OMIM 606764, HP:0100723.

Allele frequency attached by ClinVar (database versions not stated): gnomAD exomes below 0.00001; ExAC 0.00001; gnomAD 0.00001; TOPMed 0.00001.
gnomAD v4.1: 3 of 1,613,872 alleles (0.00019%); highest among the groups gnomAD compares: Non-Finnish European, 0.00025%; no homozygotes.

Submissions (4):

PreventionGenetics, part of Exact Sciences
Classification: Uncertain significance for KIT-related condition. Last evaluated: 2026-05-21. Review status: criteria provided, single submitter. Criteria: ACMG Guidelines, 2015. Collection method: clinical testing. Allele origin: germline.
Comment: The KIT c.2926G>A variant is predicted to result in the amino acid substitution p.Val976Ile. To our knowledge, this variant has not been reported in the literature. This variant is reported in 0.00088% of alleles in individuals of European (Non-Finnish) descent in gnomAD. This variant is classified as uncertain significance in ClinVar (Variation ID: 458937). At this time, the clinical significance of this variant is uncertain due to the absence of conclusive functional and genetic evidence.

Labcorp Genetics (formerly Invitae), Labcorp
Classification: Uncertain significance for Gastrointestinal stromal tumor. Last evaluated: 2026-01-25. Review status: criteria provided, single submitter. Criteria: Invitae Variant Classification Sherloc (09022015). Collection method: clinical testing. Allele origin: germline.
Comment: This sequence change replaces valine, which is neutral and non-polar, with isoleucine, which is neutral and non-polar, at codon 976 of the KIT protein (p.Val976Ile). This variant is present in population databases (rs773955363, gnomAD 0.002%). This variant has not been reported in the literature in individuals affected with KIT-related conditions. ClinVar contains an entry for this variant (Variation ID: 458937). An algorithm developed to predict the effect of missense changes on protein structure and function (PolyPhen-2) suggests that this variant is likely to be tolerated. In summary, the available evidence is currently insufficient to determine the role of this variant in disease. Therefore, it has been classified as a Variant of Uncertain Significance.

Ambry Genetics
Classification: Uncertain significance for Hereditary cancer-predisposing syndrome. Last evaluated: 2024-12-19. Review status: criteria provided, single submitter. Criteria: Ambry Variant Classification Scheme 2023. Collection method: clinical testing. Allele origin: germline.
Comment: The p.V976I variant (also known as c.2926G>A), located in coding exon 21 of the KIT gene, results from a G to A substitution at nucleotide position 2926. The valine at codon 976 is replaced by isoleucine, an amino acid with highly similar properties. This amino acid position is not well conserved in available vertebrate species. In addition, this alteration is predicted to be tolerated by in silico analysis. Based on the available evidence, the clinical significance of this variant remains unclear.

GeneDx
Classification: Uncertain significance. Last evaluated: 2023-08-16. Review status: criteria provided, single submitter. Criteria: GeneDx Variant Classification Process June 2021. Collection method: clinical testing. Allele origin: germline. Affected: yes.
Comment: Not observed at significant frequency in large population cohorts (gnomAD); In silico analysis supports that this missense variant does not alter protein structure/function; Has not been previously published as pathogenic or benign to our knowledge

NM_000222.3(KIT):c.2926G>A (p.Val976Ile)

Gene: KIT (KIT proto-oncogene, receptor tyrosine kinase; plus strand). Cytogenetic location: 4q12.
Variant type: single nucleotide variant.
Coding change: c.2926G>A on transcript NM_000222.3 (MANE Select); coding-DNA position 2926, G replaced by A.
Protein change: p.Val976Ile; replaces valine 976 with isoleucine.
Molecular consequence: missense variant.
Genome position (GRCh38, 1-based): chr4:54,738,552, G>A. VCF-style: chr4-54738552-G-A. GRCh37 (hg19) VCF-style: chr4-55604718-G-A.
Other names: c.2914G>A, p.Val972Ile (NM_001093772.2, NM_001385292.1); c.2929G>A, p.Val977Ile (NM_001385284.1); c.2923G>A, p.Val975Ile (NM_001385285.1); c.2911G>A, p.Val971Ile (NM_001385286.1); c.2917G>A, p.Val973Ile (NM_001385288.1); c.2926G>A, p.Val976Ile (NM_001385290.1); short protein forms V976I, V972I, V971I, V973I, V975I, V977I.
Identifiers: ClinVar variation 458937 (VCV000458937.13), dbSNP rs773955363, ClinGen allele CA2923905.